The following is an entry in ClinVar:

ClinVar aggregate classification (germline): Uncertain significance (1 of 4 stars; one submission).

Allele frequency attached by ClinVar (database versions not stated): gnomAD exomes below 0.00001; gnomAD 0.00001; TOPMed 0.00001.
gnomAD v4.1: 8 of 1,614,046 alleles (0.0005%); highest among the groups gnomAD compares: Non-Finnish European, 0.00068%; no homozygotes.

Submission:

GeneDx
Classification: Uncertain significance. Last evaluated: 2022-05-02. Review status: criteria provided, single submitter. Criteria: GeneDx Variant Classification Process June 2021. Collection method: clinical testing. Allele origin: germline. Affected: yes.
Comment: Not observed at significant frequency in large population cohorts (gnomAD); In silico analysis supports that this missense variant does not alter protein structure/function; Has not been previously published as pathogenic or benign to our knowledge

NM_153766.3(KCNJ1):c.256A>G (p.Ile86Val)

Gene: KCNJ1 (potassium inwardly rectifying channel subfamily J member 1; minus strand). Cytogenetic location: 11q24.3.
Variant type: single nucleotide variant.
Coding change: c.256A>G on transcript NM_153766.3 (MANE Select); coding-DNA position 256, A replaced by G.
Protein change: p.Ile86Val; replaces isoleucine 86 with valine.
Molecular consequence: missense variant.
Genome position (GRCh38, 1-based): chr11:128,839,988, T>C on the plus strand (A>G on the coding strand, the complement: KCNJ1 is on the minus strand). VCF-style: chr11-128839988-T-C. GRCh37 (hg19) VCF-style: chr11-128709883-T-C.
Other names: c.313A>G, p.Ile105Val (NM_000220.6); c.256A>G, p.Ile86Val (NM_153764.3, NM_153767.4); c.307A>G, p.Ile103Val (NM_153765.3); short protein forms I103V, I105V, I86V.
Identifiers: ClinVar variation 1723076 (VCV001723076.2), dbSNP rs1014935858, ClinGen allele CA230628959.